The following is an entry in ClinVar:

ClinVar aggregate classification (germline): Uncertain significance. Review status: criteria provided, multiple submitters, no conflicts (2 of 4 stars). 2 submissions from 2 submitters: Uncertain significance (2). Last evaluated 2023-06-09.

Conditions:
Hyperkalemic periodic paralysis. Also called: Familial hyperkalemic periodic paralysis; Gamstorp disease. Identifiers: Orphanet 682, MedGen C0238357, MONDO:0008224, OMIM 170500, HP:0007215.

gnomAD v4.1: 3 of 1,602,614 alleles (0.00019%); highest among the groups gnomAD compares: Admixed American, 0.0017%; no homozygotes.

Submissions (2):

Labcorp Genetics (formerly Invitae), Labcorp
Classification: Uncertain significance for Hyperkalemic periodic paralysis. Last evaluated: 2023-06-09. Review status: criteria provided, single submitter. Criteria: Invitae Variant Classification Sherloc (09022015). Collection method: clinical testing. Allele origin: germline.
Comment: This variant has not been reported in the literature in individuals affected with SCN4A-related conditions. In summary, the available evidence is currently insufficient to determine the role of this variant in disease. Therefore, it has been classified as a Variant of Uncertain Significance. Advanced modeling of protein sequence and biophysical properties (such as structural, functional, and spatial information, amino acid conservation, physicochemical variation, residue mobility, and thermodynamic stability) performed at Invitae indicates that this missense variant is expected to disrupt SCN4A protein function. ClinVar contains an entry for this variant (Variation ID: 643126). This variant is present in population databases (rs376505442, gnomAD 0.003%). This sequence change replaces proline, which is neutral and non-polar, with threonine, which is neutral and polar, at codon 79 of the SCN4A protein (p.Pro79Thr).

Athena Diagnostics
Classification: Uncertain significance. Last evaluated: 2019-06-06. Review status: criteria provided, single submitter. Criteria: Athena Diagnostics Criteria. Collection method: clinical testing. Allele origin: germline.

NM_000334.4(SCN4A):c.235C>A (p.Pro79Thr)

Gene: SCN4A (sodium voltage-gated channel alpha subunit 4; minus strand). Cytogenetic location: 17q23.3.
Variant type: single nucleotide variant.
Coding change: c.235C>A on transcript NM_000334.4 (MANE Select); coding-DNA position 235, C replaced by A.
Protein change: p.Pro79Thr; replaces proline 79 with threonine.
Molecular consequence: missense variant.
Genome position (GRCh38, 1-based): chr17:63,972,607, G>T on the plus strand (C>A on the coding strand, the complement: SCN4A is on the minus strand). VCF-style: chr17-63972607-G-T. GRCh37 (hg19) VCF-style: chr17-62049967-G-T.
Other names: short protein forms P79T.
Identifiers: ClinVar variation 643126 (VCV000643126.8), dbSNP rs376505442, ClinGen allele CA8710249.